The following is an entry in ClinVar:

NM_144631.6(ZNF513):c.1616A>G (p.Asp539Gly)

Gene: ZNF513 (zinc finger protein 513; minus strand). Cytogenetic location: 2p23.3.
Variant type: single nucleotide variant.
Coding change: c.1616A>G on transcript NM_144631.6 (MANE Select); coding-DNA position 1616, A replaced by G.
Protein change: p.Asp539Gly; replaces aspartic acid 539 with glycine.
Molecular consequence: missense variant.
Genome position (GRCh38, 1-based): chr2:27,377,555, T>C on the plus strand (A>G on the coding strand, the complement: ZNF513 is on the minus strand). VCF-style: chr2-27377555-T-C. GRCh37 (hg19) VCF-style: chr2-27600422-T-C.
Other names: c.1430A>G, p.Asp477Gly (NM_001201459.2); short protein forms D477G, D539G.
Identifiers: ClinVar variation 2064245 (VCV002064245.4), dbSNP rs2465618101, ClinGen allele CA346213958.

ClinVar aggregate classification (germline): Uncertain significance (1 of 4 stars; one submission).

Submission:

Labcorp Genetics (formerly Invitae), Labcorp
Classification: Uncertain significance. Last evaluated: 2022-01-21. Review status: criteria provided, single submitter. Criteria: Invitae Variant Classification Sherloc (09022015). Collection method: clinical testing. Allele origin: germline.
Comment: This variant has not been reported in the literature in individuals affected with ZNF513-related conditions. In summary, the available evidence is currently insufficient to determine the role of this variant in disease. Therefore, it has been classified as a Variant of Uncertain Significance. Algorithms developed to predict the effect of missense changes on protein structure and function are either unavailable or do not agree on the potential impact of this missense change (SIFT: "Deleterious"; PolyPhen-2: "Possibly Damaging"; Align-GVGD: "Class C0"). This variant is not present in population databases (gnomAD no frequency). This sequence change replaces aspartic acid, which is acidic and polar, with glycine, which is neutral and non-polar, at codon 539 of the ZNF513 protein (p.Asp539Gly).